The following is an entry in ClinVar:

NM_001042492.3(NF1):c.2999G>T (p.Arg1000Leu)

Gene: NF1 (neurofibromin 1; plus strand). Cytogenetic location: 17q11.2.
Variant type: single nucleotide variant.
Coding change: c.2999G>T on transcript NM_001042492.3 (MANE Select); coding-DNA position 2999, G replaced by T.
Protein change: p.Arg1000Leu; replaces arginine 1000 with leucine.
Molecular consequence: missense variant.
Genome position (GRCh38, 1-based): chr17:31,230,268, G>T. VCF-style: chr17-31230268-G-T. GRCh37 (hg19) VCF-style: chr17-29557286-G-T.
Other names: c.2999G>T, p.Arg1000Leu (NM_000267.4); short protein forms R1000L.
Identifiers: ClinVar variation 186250 (VCV000186250.13), dbSNP rs753082620, ClinGen allele CA194245.

ClinVar aggregate classification (germline): Uncertain significance. Review status: criteria provided, multiple submitters, no conflicts (2 of 4 stars). 5 submissions from 4 submitters: Uncertain significance (5). Last evaluated 2024-04-04.

Conditions:
Juvenile myelomonocytic leukemia (JMML). Also called: LEUKEMIA, JUVENILE MYELOMONOCYTIC, SOMATIC. Identifiers: Orphanet 86834, MedGen C0349639, MONDO:0011908, OMIM 607785, HP:0012209.
Café-au-lait macules with pulmonary stenosis (WTSN). Also called: PULMONIC STENOSIS WITH CAFE-AU-LAIT SPOTS. Identifiers: MedGen C0553586, MONDO:0008672, OMIM 193520.
Neurofibromatosis, type 1 (NF1). Also called: NEUROFIBROMATOSIS, TYPE I, SOMATIC; VON RECKLINGHAUSEN DISEASE; Peripheral type neurofibromatosis; Neurofibromatosis, type I. Identifiers: Orphanet 636, MedGen C0027831, MONDO:0018975, OMIM 162200. Disease mechanism: loss of function.
Neurofibromatosis-Noonan syndrome (NFNS). Also called: NEUROFIBROMATOSIS WITH NOONAN PHENOTYPE. Identifiers: Orphanet 638, MedGen C2931482, MONDO:0011035, OMIM 601321. Disease mechanism: loss of function.
Neurofibromatosis, familial spinal (FSNF). Identifiers: Orphanet 636, MedGen C1834235, MONDO:0008078, OMIM 162210. Disease mechanism: loss of function.
Hereditary cancer-predisposing syndrome. Also called: Hereditary Cancer Syndrome; Neoplastic Syndromes, Hereditary; Tumor predisposition; Hereditary neoplastic syndrome. Identifiers: Orphanet 140162, MedGen C0027672, MeSH D009386, MONDO:0015356.
Cardiovascular phenotype. Identifiers: MedGen CN230736.

Submissions (5):

Labcorp Genetics (formerly Invitae), Labcorp
Classification: Uncertain significance for Neurofibromatosis, type 1. Last evaluated: 2024-04-04. Review status: criteria provided, single submitter. Criteria: Invitae Variant Classification Sherloc (09022015). Collection method: clinical testing. Allele origin: germline.
Comment: This sequence change replaces arginine, which is basic and polar, with leucine, which is neutral and non-polar, at codon 1000 of the NF1 protein (p.Arg1000Leu). This variant is not present in population databases (gnomAD no frequency). This variant has not been reported in the literature in individuals affected with NF1-related conditions. ClinVar contains an entry for this variant (Variation ID: 186250). Advanced modeling of protein sequence and biophysical properties (such as structural, functional, and spatial information, amino acid conservation, physicochemical variation, residue mobility, and thermodynamic stability) performed at Invitae indicates that this missense variant is expected to disrupt NF1 protein function with a positive predictive value of 95%. This variant disrupts the p.Arg1000 amino acid residue in NF1. Other variant(s) that disrupt this residue have been determined to be pathogenic (PMID: 25074460, 27838393, 34080803). This suggests that this residue is clinically significant, and that variants that disrupt this residue are likely to be disease-causing. In summary, the available evidence is currently insufficient to determine the role of this variant in disease. Therefore, it has been classified as a Variant of Uncertain Significance.

Genome-Nilou Lab
Classification: Uncertain significance for Neurofibromatosis, type 1. Last evaluated: 2022-03-15. Review status: criteria provided, single submitter. Criteria: ACMG Guidelines, 2015. Collection method: clinical testing. Allele origin: germline. Affected: no.

Fulgent Genetics
Classification: Uncertain significance for Neurofibromatosis, type 1; Neurofibromatosis, familial spinal; Café-au-lait macules with pulmonary stenosis; Neurofibromatosis-Noonan syndrome; Juvenile myelomonocytic leukemia. Last evaluated: 2022-02-09. Review status: criteria provided, single submitter. Criteria: ACMG Guidelines, 2015. Collection method: clinical testing. Allele origin: unknown.

Ambry Genetics
Classification: Uncertain significance for Cardiovascular phenotype; Hereditary cancer-predisposing syndrome. Last evaluated: 2019-12-13. Review status: criteria provided, single submitter. Criteria: Ambry Variant Classification Scheme 2023. Collection method: clinical testing. Allele origin: germline.

Ambry Genetics
Classification: Uncertain significance for Hereditary cancer-predisposing syndrome. Last evaluated: 2014-09-23. Review status: criteria provided, single submitter. Criteria: Ambry Autosomal Dominant and X-Linked criteria (10/2015). Collection method: clinical testing. Allele origin: germline. Observed: 1 variant allele.
Comment: Ã¢â‚¬â€¹<span style="background-color: initial;">The<strong style="background-color: initial;">p.R1000L<span style="background-color: initial;"> variant (also known as c.2999G>T), located in coding exon 23 of the<em style="background-color: initial;">NF1<span style="background-color: initial;"> gene, results from a G to T substitution at nucleotide position 2999. The arginine at codon 1000 is replaced by leucine, an amino acid with dissimilar properties. This variant was not reported in population based cohorts in the following databases: Database of Single Nucleotide Polymorphisms (dbSNP), NHLBI Exome Sequencing Project (ESP), and 1000 Genomes Project. In the ESP, this variant was not observed in 6499 samples (12998 alleles) with coverage at this position. To date, this alteration has been detected with an allele frequency of approximately 0.01% (greater than 11000 alleles tested) in our clinical cohort. This amino acid position is highly conserved in available vertebrate species. In addition, this alteration is predicted to be benign and deleterious by PolyPhen and SIFT<em style="background-color: initial;">in silico<span style="background-color: initial;"> analyses, respectively. Since supporting evidence is limited at this time, the clinical significance of p.R1000L remains unclear.

Literature cited by the submitters: PubMed 25074460 (cited by Labcorp Genetics (formerly Invitae), Labcorp); PubMed 27838393 (cited by Labcorp Genetics (formerly Invitae), Labcorp); PubMed 34080803 (cited by Labcorp Genetics (formerly Invitae), Labcorp).